The following is an entry in ClinVar:

NM_015978.3(TNNI3K):c.457C>G (p.Leu153Val)

Genes: FPGT-TNNI3K (FPGT-TNNI3K readthrough; plus strand), TNNI3K (TNNI3 interacting kinase; plus strand). Cytogenetic location: 1p31.1.
Variant type: single nucleotide variant.
Coding change: c.457C>G on transcript NM_015978.3 (MANE Select); coding-DNA position 457, C replaced by G.
Protein change: p.Leu153Val; replaces leucine 153 with valine.
Molecular consequence: missense variant.
Genome position (GRCh38, 1-based): chr1:74,331,462, C>G. VCF-style: chr1-74331462-C-G. GRCh37 (hg19) VCF-style: chr1-74797146-C-G.
Other names: c.760C>G, p.Leu254Val (NM_001112808.3, NM_001199327.2); short protein forms L153V, L254V.
Identifiers: ClinVar variation 1441795 (VCV001441795.8), dbSNP rs200629093, ClinGen allele CA24515615.

ClinVar aggregate classification (germline): Uncertain significance (1 of 4 stars; one submission).

Allele frequency attached by ClinVar (database versions not stated): ESP Exome Variant Server 0.00008.
gnomAD v4.1: 14 of 1,613,190 alleles (0.00087%); highest among the groups gnomAD compares: African/African-American, 0.0013%; no homozygotes.

Submission:

Labcorp Genetics (formerly Invitae), Labcorp
Classification: Uncertain significance. Last evaluated: 2025-04-11. Review status: criteria provided, single submitter. Criteria: Invitae Variant Classification Sherloc (09022015). Collection method: clinical testing. Allele origin: germline.
Comment: This sequence change replaces leucine, which is neutral and non-polar, with valine, which is neutral and non-polar, at codon 153 of the TNNI3K protein (p.Leu153Val). This variant is present in population databases (rs200629093, gnomAD 0.002%). This variant has not been reported in the literature in individuals affected with TNNI3K-related conditions. ClinVar contains an entry for this variant (Variation ID: 1441795). Invitae Evidence Modeling of protein sequence and biophysical properties (such as structural, functional, and spatial information, amino acid conservation, physicochemical variation, residue mobility, and thermodynamic stability) has been performed for this missense variant. However, the output from this modeling did not meet the statistical confidence thresholds required to predict the impact of this variant on TNNI3K protein function. In summary, the available evidence is currently insufficient to determine the role of this variant in disease. Therefore, it has been classified as a Variant of Uncertain Significance.